The following is an entry in ClinVar:

ClinVar aggregate classification (germline): Uncertain significance (1 of 4 stars; one submission).

Conditions:
Inborn genetic diseases. Identifiers: MedGen C0950123, MeSH D030342.

Submission:

Ambry Genetics
Classification: Uncertain significance for Inborn genetic diseases. Last evaluated: 2022-05-04. Review status: criteria provided, single submitter. Criteria: Ambry General Variant Classification Scheme_2022. Collection method: clinical testing. Allele origin: germline.
Comment: The c.931C>A (p.L311I) alteration is located in exon 4 (coding exon 3) of the SETBP1 gene. This alteration results from a C to A substitution at nucleotide position 931, causing the leucine (L) at amino acid position 311 to be replaced by an isoleucine (I). This variant was not reported in population-based cohorts in the Genome Aggregation Database (gnomAD). This amino acid position is well conserved in available vertebrate species. This alteration is predicted to be tolerated by in silico analysis. Based on insufficient or conflicting evidence, the clinical significance of this alteration remains unclear.

NM_015559.3(SETBP1):c.931C>A (p.Leu311Ile)

Gene: SETBP1 (SET binding protein 1; plus strand). Cytogenetic location: 18q12.3.
Variant type: single nucleotide variant.
Coding change: c.931C>A on transcript NM_015559.3 (MANE Select); coding-DNA position 931, C replaced by A.
Protein change: p.Leu311Ile; replaces leucine 311 with isoleucine.
Molecular consequence: missense variant.
Genome position (GRCh38, 1-based): chr18:44,950,271, C>A. VCF-style: chr18-44950271-C-A. GRCh37 (hg19) VCF-style: chr18-42530236-C-A.
Other names: c.931C>A, p.Leu311Ile (NM_001379141.1, NM_001379142.1, NM_001410862.1); short protein forms L311I.
Identifiers: ClinVar variation 2287078 (VCV002287078.2), dbSNP rs2511465683, ClinGen allele CA402317142.
Genomic context (GRCh38, chr18:44,950,271, plus strand): 5'-CCATCCCCAAGCAGCCACAGCTCACCAGCCCCACCCAGCAGCTCTGCTGAGTGCAACGGG[C>A]TTCAGCCCTTGGTGGATCAAGATGGAGGAGGTACAAAGGAGCCCCCAGAACCACCTACGG-3'
Protein context (NP_056374.2, residues 301-321): PPSSSAECNG[Leu311Ile]QPLVDQDGGG